The following is an entry in ClinVar:

NM_022124.6(CDH23):c.4656C>A (p.Ala1552=)

Gene: CDH23 (cadherin related 23; plus strand). Cytogenetic location: 10q22.1.
Variant type: single nucleotide variant.
Coding change: c.4656C>A on transcript NM_022124.6 (MANE Select); coding-DNA position 4656, C replaced by A.
Protein change: p.Ala1552=; no amino-acid change (alanine 1552 retained).
Molecular consequence: synonymous variant.
Genome position (GRCh38, 1-based): chr10:71,741,732, C>A. VCF-style: chr10-71741732-C-A. GRCh37 (hg19) VCF-style: chr10-73501489-C-A.
Identifiers: ClinVar variation 4983586 (VCV004983586.1).

ClinVar aggregate classification (germline): Likely benign (1 of 4 stars; one submission).

Conditions:
CDH23-related disorder. Also called: CDH23-related disorders; CDH23-related condition.

Submission:

PreventionGenetics, part of Exact Sciences
Classification: Likely benign for CDH23-related condition. Last evaluated: 2024-10-03. Review status: criteria provided, single submitter. Criteria: ACMG Guidelines, 2015. Collection method: clinical testing. Allele origin: germline.
Comment: This variant is classified as likely benign based on ACMG/AMP sequence variant interpretation guidelines (Richards et al. 2015 PMID: 25741868, with internal and published modifications).